The following continues an entry in ClinVar:

NM_000209.4(PDX1):c.188del (p.Pro63fs)

Gene: PDX1. ClinVar aggregate classification (germline): Conflicting classifications of pathogenicity. Pathogenic (8); Likely pathogenic (1); Uncertain significance (1).

Submissions 7 to 13 of 13:

Fulgent Genetics
Classification: Pathogenic for Type 2 diabetes mellitus; Pancreatic agenesis 1; Maturity-onset diabetes of the young type 4. Last evaluated: 2021-09-27. Review status: criteria provided, single submitter. Criteria: ACMG Guidelines, 2015. Collection method: clinical testing. Allele origin: unknown.

Broad Center for Mendelian Genomics, Broad Institute of MIT and Harvard
Classification: Pathogenic for Maturity-onset diabetes of the young type 4. Last evaluated: 2020-01-22. Review status: criteria provided, single submitter. Criteria: ACMG Guidelines, 2015. Collection method: curation. Allele origin: germline. Inheritance: Autosomal dominant inheritance.
Comment: The p.Pro63Argfs variant in PDX1 has been reported in 9 individuals with maturity-onset diabetes of the young type 4 (MODY type 4), segregated with disease in those 9 affected relatives from 1 family (PMID: 20621032), and this variant has been identified in 0.002% (1/49632) of European (non-Finnish) chromosomes by the Genome Aggregation Database (gnomAD; rs193929377). This variant has also been reported in ClinVar as pathogenic (Variation ID: 21124). In vitro functional studies provide some evidence that the p.Pro63Argfs variant may slightly impact protein function (PMID:15001545). However, these types of assays may not accurately represent biological function. This variant is predicted to cause a frameshift, which alters the protein's amino acid sequence beginning at position 63 and leads to a premature termination codon 60 amino acids downstream. This alteration is then predicted to lead to a truncated or absent protein. Heterozygous loss of function of the PDX1 gene is an established disease mechanism in MODY type 4. In summary, this variant meets criteria to be classified as pathogenic for MODY type 4 in an autosomal dominant manner based on the predicted impact of this loss of function variant and the strong segregation seen with this variant and MODY type 4. ACMG/AMP Criteria applied: PVS1, PP1_strong, PM2, PS3_supporting (Richards 2015).

Blueprint Genetics
Classification: Pathogenic for PDX1-related disorders. Last evaluated: 2019-03-05. Review status: criteria provided, single submitter. Criteria: ACMG Guidelines, 2015. Collection method: clinical testing. Allele origin: germline. Affected: yes. Observed: 1 variant allele.

Genetic Services Laboratory, University of Chicago
Classification: Pathogenic for MODY, type IV; Pancreatic agenesis 1. Last evaluated: 2016-07-14. Review status: criteria provided, single submitter. Criteria: ACMG Guidelines, 2015. Collection method: clinical testing. Allele origin: germline. Affected: yes.

GeneReviews
Classification: Pathogenic for Permanent Neonatal Diabetes Mellitus. Last evaluated: 2011-07-05. Review status: no assertion criteria provided. Collection method: curation. Allele origin: unknown. Not counted in ClinVar's aggregate classification.
ClinVar note: Converted during submission from pathologic to Pathogenic.

OMIM
Classification: Pathogenic for PANCREATIC AGENESIS 1. Last evaluated: 2010-07-01. Review status: no assertion criteria provided. Collection method: literature only. Allele origin: germline. Not counted in ClinVar's aggregate classification.

OMIM
Classification: Pathogenic for MATURITY-ONSET DIABETES OF THE YOUNG, TYPE 4. Last evaluated: 2010-07-01. Review status: no assertion criteria provided. Collection method: literature only. Allele origin: germline. Not counted in ClinVar's aggregate classification.

Literature cited by the submitters: PubMed 8988180 (cited by 5 submitters); PubMed 9326926 (cited by 4 submitters); PubMed 9649577 (cited by 3 submitters); PubMed 15001545 (cited by 5 submitters); PubMed 19496967 (cited by Ambry Genetics and OMIM); PubMed 20621032 (cited by 6 submitters); PubMed 28436541 (cited by 4 submitters); PubMed 35803312 (cited by Ambry Genetics and Athena Diagnostics); PubMed 17349054 (cited by Women's Health and Genetics/Laboratory Corporation of America, LabCorp); PubMed 18436707 (cited by Women's Health and Genetics/Laboratory Corporation of America, LabCorp); PubMed 12618559 (cited by Women's Health and Genetics/Laboratory Corporation of America, LabCorp); PubMed 39642868 (cited by Women's Health and Genetics/Laboratory Corporation of America, LabCorp and Athena Diagnostics); PubMed 8506821 (cited by Athena Diagnostics and OMIM); PubMed 31595705 (cited by Athena Diagnostics).